The following is an entry in ClinVar:

NM_017636.4(TRPM4):c.2953+5G>T

Gene: TRPM4 (transient receptor potential cation channel subfamily M member 4; plus strand). Cytogenetic location: 19q13.33.
Variant type: single nucleotide variant.
Coding change: c.2953+5G>T on transcript NM_017636.4 (MANE Select); 5 bases into the intron after coding-DNA position 2953, G replaced by T.
Molecular consequence: intron variant.
Genome position (GRCh38, 1-based): chr19:49,200,790, G>T. VCF-style: chr19-49200790-G-T. GRCh37 (hg19) VCF-style: chr19-49704047-G-T.
Other names: c.2518+5G>T (NM_001195227.2); c.1345+5G>T (NM_001321282.2); c.2608+5G>T (NM_001321281.2); c.2431+5G>T (NM_001321283.2); c.1891+5G>T (NM_001321285.2).
Identifiers: ClinVar variation 1037564 (VCV001037564.6), dbSNP rs200998908, ClinGen allele CA633890938.

ClinVar aggregate classification (germline): Uncertain significance (1 of 4 stars; one submission).

Conditions:
Progressive familial heart block type IB (PFHB1B). Identifiers: Orphanet 871, MedGen C1970298, MONDO:0011474, OMIM 604559.

Allele frequency attached by ClinVar (database versions not stated): TOPMed 0.00002.
gnomAD v4.1: 18 of 1,613,686 alleles (0.0011%); highest among the groups gnomAD compares: East Asian, 0.0089%; no homozygotes.

Submission:

Labcorp Genetics (formerly Invitae), Labcorp
Classification: Uncertain significance for Progressive familial heart block type IB. Last evaluated: 2024-11-12. Review status: criteria provided, single submitter. Criteria: Invitae Variant Classification Sherloc (09022015). Collection method: clinical testing. Allele origin: germline.
Comment: This sequence change falls in intron 19 of the TRPM4 gene. It does not directly change the encoded amino acid sequence of the TRPM4 protein. It affects a nucleotide within the consensus splice site. This variant is present in population databases (no rsID available, gnomAD 0.02%). This variant has not been reported in the literature in individuals affected with TRPM4-related conditions. ClinVar contains an entry for this variant (Variation ID: 1037564). Variants that disrupt the consensus splice site are a relatively common cause of aberrant splicing (PMID: 17576681, 9536098). Algorithms developed to predict the effect of sequence changes on RNA splicing suggest that this variant may disrupt the consensus splice site. In summary, the available evidence is currently insufficient to determine the role of this variant in disease. Therefore, it has been classified as a Variant of Uncertain Significance.

Literature cited by the submitters: PubMed 17576681; PubMed 9536098.